The following is an entry in ClinVar:

NM_001830.4(CLCN4):c.740dup (p.Asn248fs)

Gene: CLCN4 (Cl-/H+ antiporter 4; plus strand). Cytogenetic location: Xp22.2.
Variant type: Duplication.
Coding change: c.740dup on transcript NM_001830.4 (MANE Select); coding-DNA position 740, one base duplicated (A; older notation c.740dupA).
Protein change: p.Asn248fs; shifts the reading frame from asparagine 248.
Molecular consequence: frameshift variant.
Genome position (GRCh38, 1-based): chrX:10,206,542, A duplicated; the last of 2 consecutive A bases (chrX:10,206,541-10,206,542); duplicating either gives the same sequence. VCF-style (leftmost placement, unchanged base first): chrX-10206540-C-CA. GRCh37 (hg19) VCF-style: chrX-10174580-C-CA.
Other names: c.458dup, p.Asn154fs (NM_001256944.2); short protein forms N154fs, N248fs.
Identifiers: ClinVar variation 1320175 (VCV001320175.1), dbSNP rs2147178526, ClinGen allele CA2573055055.

ClinVar aggregate classification (germline): Likely pathogenic (1 of 4 stars; one submission).

Conditions:
Intellectual disability, X-linked 49 (MRXSRC). Also called: MENTAL RETARDATION, X-LINKED 15; CLCN4-Related Neurodevelopmental Disorder; MRX49; CLCN4-related X-linked intellectual disability syndrome; RAYNAUD-CLAES SYNDROME. Identifiers: Orphanet 485350, Orphanet 777, MedGen C0796221, MONDO:0010250, OMIM 300114.

Submission:

3billion
Classification: Likely pathogenic for Intellectual disability, X-linked 49. Last evaluated: 2021-10-02. Review status: criteria provided, single submitter. Criteria: ACMG Guidelines, 2015. Collection method: clinical testing. Allele origin: unknown. Affected: yes. Observed: 1 hemizygote.
Comment: Frameshift: predicted to result in a loss or disruption of normal protein function through nonsense-mediated decay (NMD) or protein truncation. Multiple pathogenic variants are reported downstream of the variant (PVS1_VS). It is not observed in the gnomAD v2.1.1 dataset (PM2). Therefore, this variant is classified as likely pathogenic according to the recommendation of ACMG/AMP guideline.